The following is an entry in ClinVar:

NM_018089.3(ANKZF1):c.1182G>T (p.Gln394His)

Gene: ANKZF1 (ankyrin repeat and zinc finger peptidyl tRNA hydrolase 1; plus strand). Cytogenetic location: 2q35.
Variant type: single nucleotide variant.
Coding change: c.1182G>T on transcript NM_018089.3 (MANE Select); coding-DNA position 1182, G replaced by T.
Protein change: p.Gln394His; replaces glutamine 394 with histidine.
Molecular consequence: missense variant.
Genome position (GRCh38, 1-based): chr2:219,234,266, G>T. VCF-style: chr2-219234266-G-T. GRCh37 (hg19) VCF-style: chr2-220098988-G-T.
Other names: c.1182G>T, p.Gln394His (NM_001042410.2); c.552G>T, p.Gln184His (NM_001282792.2); short protein forms Q184H, Q394H.
Identifiers: ClinVar variation 2601513 (VCV002601513.5), dbSNP rs1202541229, ClinGen allele CA350679270.

ClinVar aggregate classification (germline): Uncertain significance. Review status: criteria provided, multiple submitters, no conflicts (2 of 4 stars). 2 submissions from 2 submitters: Uncertain significance (2). Last evaluated 2025-12-23.

Allele frequency attached by ClinVar (database versions not stated): TOPMed 0.00001; gnomAD exomes 0.00001; gnomAD 0.00003.
gnomAD v4.1: 21 of 1,613,954 alleles (0.0013%); highest among the groups gnomAD compares: Non-Finnish European, 0.0017%; no homozygotes.

Submissions (2):

Labcorp Genetics (formerly Invitae), Labcorp
Classification: Uncertain significance. Last evaluated: 2025-12-23. Review status: criteria provided, single submitter. Criteria: Invitae Variant Classification Sherloc (09022015). Collection method: clinical testing. Allele origin: germline.
Comment: This sequence change replaces glutamine, which is neutral and polar, with histidine, which is basic and polar, at codon 394 of the ANKZF1 protein (p.Gln394His). This variant is not present in population databases (gnomAD no frequency). This variant has not been reported in the literature in individuals affected with ANKZF1-related conditions. ClinVar contains an entry for this variant (Variation ID: 2601513). An algorithm developed to predict the effect of missense changes on protein structure and function (PolyPhen-2) suggests that this variant is likely to be tolerated. In summary, the available evidence is currently insufficient to determine the role of this variant in disease. Therefore, it has been classified as a Variant of Uncertain Significance.

Ambry Genetics
Classification: Uncertain significance. Last evaluated: 2023-08-10. Review status: criteria provided, single submitter. Criteria: Ambry Variant Classification Scheme 2023. Collection method: clinical testing. Allele origin: germline.